The following is an entry in ClinVar:

NM_005902.4(SMAD3):c.1266del (p.Ser423fs)

Gene: SMAD3 (SMAD family member 3; plus strand). Cytogenetic location: 15q22.33.
Variant type: Deletion.
Coding change: c.1266del on transcript NM_005902.4 (MANE Select); coding-DNA position 1266, one base deleted (C; older notation c.1266delC).
Protein change: p.Ser423fs; shifts the reading frame from serine 423.
Molecular consequence: frameshift variant.
Genome position (GRCh38, 1-based): chr15:67,190,524, C deleted; the last of 2 consecutive C bases (chr15:67,190,523-67,190,524); deleting either gives the same sequence. VCF-style (leftmost placement, unchanged base first): chr15-67190522-TC-T. GRCh37 (hg19) VCF-style: chr15-67482860-TC-T.
Other names: c.951del, p.Ser318fs (NM_001145102.2); c.1134del, p.Ser379fs (NM_001145103.2); c.681del, p.Ser228fs (NM_001145104.2); short protein forms S379fs, S423fs, S228fs, S318fs.
Identifiers: ClinVar variation 1509360 (VCV001509360.8), dbSNP rs2140328026, ClinGen allele CA645585105.

ClinVar aggregate classification (germline): Pathogenic (1 of 4 stars; one submission).

Conditions:
Familial thoracic aortic aneurysm and aortic dissection (TAAD). Also called: Thoracic aortic aneurysms and dissections. Identifiers: Orphanet 91387, MedGen C4707243, MONDO:0019625.

Submission:

Labcorp Genetics (formerly Invitae), Labcorp
Classification: Pathogenic for Familial thoracic aortic aneurysm and aortic dissection. Last evaluated: 2023-10-03. Review status: criteria provided, single submitter. Criteria: Invitae Variant Classification Sherloc (09022015). Collection method: clinical testing. Allele origin: germline.
Comment: This sequence change results in a frameshift in the SMAD3 gene (p.Ser423Valfs*53). While this is not anticipated to result in nonsense mediated decay, it is expected to disrupt the last 3 amino acid(s) of the SMAD3 protein and extend the protein by 49 additional amino acid residues. This variant is not present in population databases (gnomAD no frequency). This variant has not been reported in the literature in individuals affected with SMAD3-related conditions. ClinVar contains an entry for this variant (Variation ID: 1509360). This variant disrupts a region of the SMAD3 protein in which other variant(s) (p.Ser425Cys) have been determined to be pathogenic (PMID: 23139211). This suggests that this is a clinically significant region of the protein, and that variants that disrupt it are likely to be disease-causing. For these reasons, this variant has been classified as Pathogenic.

Literature cited by the submitters: PubMed 23139211.